The following is an entry in ClinVar:

ClinVar aggregate classification (germline): Uncertain significance (1 of 4 stars; one submission).

Conditions:
RASopathy. Also called: rasopathies; Noonan spectrum disorder. Identifiers: Orphanet 536391, MedGen C5555857, MONDO:0021060.

Submission:

Labcorp Genetics (formerly Invitae), Labcorp
Classification: Uncertain significance for RASopathy. Last evaluated: 2022-07-27. Review status: criteria provided, single submitter. Criteria: Invitae Variant Classification Sherloc (09022015). Collection method: clinical testing. Allele origin: germline.
Comment: This sequence change replaces glycine, which is neutral and non-polar, with arginine, which is basic and polar, at codon 1268 of the SOS1 protein (p.Gly1268Arg). This variant is not present in population databases (gnomAD no frequency). This variant has not been reported in the literature in individuals affected with SOS1-related conditions. Algorithms developed to predict the effect of missense changes on protein structure and function (SIFT, PolyPhen-2, Align-GVGD) all suggest that this variant is likely to be tolerated. In summary, the available evidence is currently insufficient to determine the role of this variant in disease. Therefore, it has been classified as a Variant of Uncertain Significance.

NM_005633.4(SOS1):c.3802G>C (p.Gly1268Arg)

Gene: SOS1 (SOS Ras/Rac guanine nucleotide exchange factor 1; minus strand). Cytogenetic location: 2p22.1.
Variant type: single nucleotide variant.
Coding change: c.3802G>C on transcript NM_005633.4 (MANE Select); coding-DNA position 3802, G replaced by C.
Protein change: p.Gly1268Arg; replaces glycine 1268 with arginine.
Molecular consequence: missense variant.
Genome position (GRCh38, 1-based): chr2:38,986,024, C>G on the plus strand (G>C on the coding strand, the complement: SOS1 is on the minus strand). VCF-style: chr2-38986024-C-G. GRCh37 (hg19) VCF-style: chr2-39213165-C-G.
Other names: c.3781G>C, p.Gly1261Arg (NM_001382394.1); c.3757G>C, p.Gly1253Arg (NM_001382395.1); short protein forms G1253R, G1261R, G1268R.
Identifiers: ClinVar variation 2133640 (VCV002133640.4), dbSNP rs730881051, ClinGen allele CA346362287.